The following is an entry in ClinVar:

NM_002528.7(NTHL1):c.577G>T (p.Gly193Cys)

Gene: NTHL1 (nth like DNA glycosylase 1; minus strand). Cytogenetic location: 16p13.3.
Variant type: single nucleotide variant.
Coding change: c.577G>T on transcript NM_002528.7 (MANE Select); coding-DNA position 577, G replaced by T.
Protein change: p.Gly193Cys; replaces glycine 193 with cysteine.
Molecular consequence: missense variant.
Genome position (GRCh38, 1-based): chr16:2,043,675, C>A on the plus strand (G>T on the coding strand, the complement: NTHL1 is on the minus strand). VCF-style: chr16-2043675-C-A. GRCh37 (hg19) VCF-style: chr16-2093676-C-A.
Other names: c.406G>T, p.Gly136Cys (NM_001318193.2); c.247G>T, p.Gly83Cys (NM_001318194.2); short protein forms G136C, G193C, G83C.
Identifiers: ClinVar variation 4123323 (VCV004123323.1).

ClinVar aggregate classification (germline): Uncertain significance (1 of 4 stars; one submission).

Conditions:
Hereditary cancer-predisposing syndrome. Also called: Hereditary neoplastic syndrome; Neoplastic Syndromes, Hereditary; Tumor predisposition; Hereditary Cancer Syndrome. Identifiers: Orphanet 140162, MedGen C0027672, MeSH D009386, MONDO:0015356.

Submission:

Ambry Genetics
Classification: Uncertain significance for Hereditary cancer-predisposing syndrome. Last evaluated: 2025-07-09. Review status: criteria provided, single submitter. Criteria: Ambry Variant Classification Scheme 2023. Collection method: clinical testing. Allele origin: germline.
Comment: The p.G201C variant (also known as c.601G>T), located in coding exon 4 of the NTHL1 gene, results from a G to T substitution at nucleotide position 601. The glycine at codon 201 is replaced by cysteine, an amino acid with highly dissimilar properties. This amino acid position is conserved. In addition, this alteration is predicted to be tolerated by in silico analysis. Based on the available evidence, the clinical significance of this variant remains unclear.